The following is an entry in ClinVar:

ClinVar aggregate classification (germline): Uncertain significance (1 of 4 stars; one submission).

Conditions:
Deficiency of alpha-mannosidase (MANSA). Also called: Alpha-Mannosidosis; Mannosidosis, alpha-, types I and II; LYSOSOMAL ALPHA-D-MANNOSIDASE DEFICIENCY. Identifiers: Orphanet 61, MedGen C0024748, MONDO:0009561, OMIM 248500.

Allele frequency attached by ClinVar (database versions not stated): gnomAD exomes below 0.00001; TOPMed below 0.00001; gnomAD 0.00001.

Submission:

Labcorp Genetics (formerly Invitae), Labcorp
Classification: Uncertain significance for Deficiency of alpha-mannosidase. Last evaluated: 2021-12-15. Review status: criteria provided, single submitter. Criteria: Invitae Variant Classification Sherloc (09022015). Collection method: clinical testing. Allele origin: germline.
Comment: This sequence change replaces valine, which is neutral and non-polar, with isoleucine, which is neutral and non-polar, at codon 701 of the MAN2B1 protein (p.Val701Ile). This variant is present in population databases (rs561720564, gnomAD 0.0009%). This variant has not been reported in the literature in individuals affected with MAN2B1-related conditions. ClinVar contains an entry for this variant (Variation ID: 575223). Algorithms developed to predict the effect of missense changes on protein structure and function output the following: SIFT: "Tolerated"; PolyPhen-2: "Benign"; Align-GVGD: "Class C0". The isoleucine amino acid residue is found in multiple mammalian species, which suggests that this missense change does not adversely affect protein function. Algorithms developed to predict the effect of sequence changes on RNA splicing suggest that this variant may create or strengthen a splice site. In summary, the available evidence is currently insufficient to determine the role of this variant in disease. Therefore, it has been classified as a Variant of Uncertain Significance.

NM_000528.4(MAN2B1):c.2101G>A (p.Val701Ile)

Gene: MAN2B1 (mannosidase alpha class 2B member 1; minus strand). Cytogenetic location: 19p13.13.
Variant type: single nucleotide variant.
Coding change: c.2101G>A on transcript NM_000528.4 (MANE Select); coding-DNA position 2101, G replaced by A.
Protein change: p.Val701Ile; replaces valine 701 with isoleucine.
Molecular consequence: missense variant.
Genome position (GRCh38, 1-based): chr19:12,650,168, C>T on the plus strand (G>A on the coding strand, the complement: MAN2B1 is on the minus strand). VCF-style: chr19-12650168-C-T. GRCh37 (hg19) VCF-style: chr19-12760982-C-T.
Other names: c.2098G>A, p.Val700Ile (NM_001173498.2); short protein forms V701I, V700I.
Identifiers: ClinVar variation 575223 (VCV000575223.4), dbSNP rs561720564, ClinGen allele CA9226198.